The following is an entry in ClinVar:

ClinVar aggregate classification (germline): Uncertain significance (0 of 4 stars; one submission).

Conditions:
Charcot-Marie-Tooth disease. Also called: Charcot-Marie-Tooth Neuropathy; Charcot-Marie-Tooth Hereditary Neuropathy. Identifiers: Orphanet 166, MedGen C0007959, MONDO:0015626.

Submission:

Dept. of Medical Genetics, Telemark Hospital Trust, Telemark Hospital Trust
Classification: Uncertain significance for Charcot-Marie-Tooth disease. Last evaluated: 2013-11-01. Review status: no assertion criteria provided. Collection method: research. Allele origin: not applicable. Affected: yes. Study: Charcot-Marie-Tooth disease study.
Comment: Populational based study of Charcot-Marie-Tooth disease in Norway

Literature cited by the submitters: PubMed 15824347; PubMed 22189570; PubMed 15477547; PubMed 25025039; PMC 4306395.

NM_001126131.1(POLG):c.[1491G>C(;)2243G>C]

Variant type: Phase unknown.
Identifiers: ClinVar variation 157526 (VCV000157526.3).